The following is an entry in ClinVar:

ClinVar aggregate classification (germline): Pathogenic (1 of 4 stars; one submission).

Conditions:
Neurofibromatosis, type 1 (NF1). Also called: VON RECKLINGHAUSEN DISEASE; Peripheral type neurofibromatosis; NEUROFIBROMATOSIS, TYPE I, SOMATIC; Neurofibromatosis, type I. Identifiers: Orphanet 636, MedGen C0027831, MONDO:0018975, OMIM 162200. Disease mechanism: loss of function.

Submission:

Labcorp Genetics (formerly Invitae), Labcorp
Classification: Pathogenic for Neurofibromatosis, type 1. Last evaluated: 2025-08-31. Review status: criteria provided, single submitter. Criteria: Invitae Variant Classification Sherloc (09022015). Collection method: clinical testing. Allele origin: germline.
Comment: This sequence change creates a premature translational stop signal (p.Thr594Glnfs*11) in the NF1 gene. It is expected to result in an absent or disrupted protein product. Loss-of-function variants in NF1 are known to be pathogenic (PMID: 10712197, 23913538). This variant is not present in population databases (gnomAD no frequency). This premature translational stop signal has been observed in individual(s) with clinical features of NF1-related conditions (PMID: 34308104). Algorithms developed to predict the effect of sequence changes on RNA splicing suggest that this variant may disrupt the consensus splice site. For these reasons, this variant has been classified as Pathogenic.

Literature cited by the submitters: PubMed 10712197; PubMed 23913538; PubMed 34308104.

NM_001042492.3(NF1):c.1780del (p.Thr594fs)

Gene: NF1 (neurofibromin 1; plus strand). Cytogenetic location: 17q11.2.
Variant type: Deletion.
Coding change: c.1780del on transcript NM_001042492.3 (MANE Select); coding-DNA position 1780, one base deleted (A; older notation c.1780delA).
Protein change: p.Thr594fs; shifts the reading frame from threonine 594.
Molecular consequence: frameshift variant.
Genome position (GRCh38, 1-based): chr17:31,223,502, A deleted. VCF-style (leftmost placement, unchanged base first): chr17-31223501-CA-C. GRCh37 (hg19) VCF-style: chr17-29550519-CA-C.
Other names: c.1780del, p.Thr594fs (NM_000267.4); short protein forms T594fs.
Identifiers: ClinVar variation 4710345 (VCV004710345.1).